The following is an entry in ClinVar:

NM_019892.6(INPP5E):c.1253_1256del (p.Phe418fs)

Gene: INPP5E (inositol polyphosphate-5-phosphatase E; minus strand). Cytogenetic location: 9q34.3.
Variant type: Microsatellite.
Coding change: c.1253_1256del on transcript NM_019892.6 (MANE Select); coding-DNA positions 1253 to 1256, 4 bases deleted (TCCT; older notation c.1253_1256delTCCT).
Protein change: p.Phe418fs; shifts the reading frame from phenylalanine 418.
Molecular consequence: frameshift variant.
Genome position (GRCh38, 1-based): chr9:136,432,979-136,432,982, AGGA deleted on the plus strand (TCCT on the coding strand, the reverse complement: INPP5E is on the minus strand); deleting any 4 consecutive bases within chr9:136,432,979-136,432,988 gives the same sequence; the c. name uses the placement nearest the transcript's 3' end. VCF-style (leftmost placement, unchanged base first): chr9-136432978-GAGGA-G. GRCh37 (hg19) VCF-style: chr9-139327430-GAGGA-G.
Other names: c.1253_1256del, p.Phe418fs (NM_001318502.2); short protein forms F418fs.
Identifiers: ClinVar variation 1070977 (VCV001070977.9), dbSNP rs2131608672, ClinGen allele CA2580615404.
Genomic context (GRCh38, chr9:136,432,978, plus strand): 5'-TCACACAGCACCTGCGGTGCGGGCACCAAGCAACTTACAGGTGAAGTGGGACGTGATGAA[GAGGA>G]AGGAAGTGCCAAAAAAGGTGAAGCTGATGCCCAAGGCCCCCTTGGTCTTGATCTGAGACA-3'

ClinVar aggregate classification (germline): Pathogenic/Likely pathogenic. Review status: criteria provided, multiple submitters, no conflicts (2 of 4 stars). 2 submissions from 2 submitters: Pathogenic (1); Likely pathogenic (1). Last evaluated 2022-11-10.

Conditions:
MORM syndrome (MORMS). Identifiers: Orphanet 75858, MedGen C1857802, MONDO:0012423, OMIM 610156.
Joubert syndrome 1 (JBTS1). Also called: Cerebellooculorenal syndrome 1; CEREBELLOPARENCHYMAL DISORDER IV. Identifiers: MedGen C4551568, MONDO:0008944, OMIM 213300.
Joubert syndrome. Also called: JOUBERT-BOLTSHAUSER SYNDROME; Familial aplasia of the vermis. Identifiers: Orphanet 475, MedGen C5979921, MONDO:0018772.

Submissions (2):

Labcorp Genetics (formerly Invitae), Labcorp
Classification: Pathogenic for Joubert syndrome. Last evaluated: 2022-11-10. Review status: criteria provided, single submitter. Criteria: Invitae Variant Classification Sherloc (09022015). Collection method: clinical testing. Allele origin: germline.
Comment: This sequence change creates a premature translational stop signal (p.Phe418Serfs*64) in the INPP5E gene. It is expected to result in an absent or disrupted protein product. Loss-of-function variants in INPP5E are known to be pathogenic (PMID: 19668216, 23034536, 23386033, 28125082). This variant is not present in population databases (gnomAD no frequency). This variant has not been reported in the literature in individuals affected with INPP5E-related conditions. For these reasons, this variant has been classified as Pathogenic.

Juno Genomics, Hangzhou Juno Genomics, Inc
Classification: Likely pathogenic for MORM syndrome; Joubert syndrome 1. Review status: criteria provided, single submitter. Criteria: ACMG Guidelines, 2015. Collection method: clinical testing. Allele origin: germline.
Comment: Absent from controls (or at extremely low frequency if recessive) in Genome Aggregation Database.;Null variant in a gene where loss of function (LOF) is a known mechanism of disease.

Literature cited by the submitters: PubMed 19668216 (cited by Labcorp Genetics (formerly Invitae), Labcorp); PubMed 23034536 (cited by Labcorp Genetics (formerly Invitae), Labcorp); PubMed 23386033 (cited by Labcorp Genetics (formerly Invitae), Labcorp); PubMed 28125082 (cited by Labcorp Genetics (formerly Invitae), Labcorp).